The following is an entry in ClinVar:

NM_024642.5(GALNT12):c.928A>G (p.Met310Val)

Gene: GALNT12 (polypeptide N-acetylgalactosaminyltransferase 12; plus strand). Cytogenetic location: 9q22.33.
Variant type: single nucleotide variant.
Coding change: c.928A>G on transcript NM_024642.5 (MANE Select); coding-DNA position 928, A replaced by G.
Protein change: p.Met310Val; replaces methionine 310 with valine.
Molecular consequence: missense variant.
Genome position (GRCh38, 1-based): chr9:98,835,259, A>G. VCF-style: chr9-98835259-A-G. GRCh37 (hg19) VCF-style: chr9-101597541-A-G.
Other names: short protein forms M310V.
Identifiers: ClinVar variation 2586474 (VCV002586474.5), dbSNP rs2490527178, ClinGen allele CA374219334.

ClinVar aggregate classification (germline): Uncertain significance. Review status: criteria provided, multiple submitters, no conflicts (2 of 4 stars). 2 submissions from 2 submitters: Uncertain significance (2). Last evaluated 2025-01-15.

Allele frequency attached by ClinVar (database versions not stated): gnomAD exomes below 0.00001.

Submissions (2):

Labcorp Genetics (formerly Invitae), Labcorp
Classification: Uncertain significance. Last evaluated: 2025-01-15. Review status: criteria provided, single submitter. Criteria: Invitae Variant Classification Sherloc (09022015). Collection method: clinical testing. Allele origin: germline.
Comment: This sequence change replaces methionine, which is neutral and non-polar, with valine, which is neutral and non-polar, at codon 310 of the GALNT12 protein (p.Met310Val). This variant is not present in population databases (gnomAD no frequency). This variant has not been reported in the literature in individuals affected with GALNT12-related conditions. ClinVar contains an entry for this variant (Variation ID: 2586474). Invitae Evidence Modeling of protein sequence and biophysical properties (such as structural, functional, and spatial information, amino acid conservation, physicochemical variation, residue mobility, and thermodynamic stability) indicates that this missense variant is not expected to disrupt GALNT12 protein function with a negative predictive value of 80%. In summary, the available evidence is currently insufficient to determine the role of this variant in disease. Therefore, it has been classified as a Variant of Uncertain Significance.

Ambry Genetics
Classification: Uncertain significance. Last evaluated: 2023-08-31. Review status: criteria provided, single submitter. Criteria: Ambry Variant Classification Scheme 2023. Collection method: clinical testing. Allele origin: germline.
Comment: The p.M310V variant (also known as c.928A>G), located in coding exon 5 of the GALNT12 gene, results from an A to G substitution at nucleotide position 928. The methionine at codon 310 is replaced by valine, an amino acid with highly similar properties. This amino acid position is conserved. In addition, the in silico prediction for this alteration is inconclusive. Since supporting evidence is limited at this time, the clinical significance of this alteration remains unclear.